The following is an entry in ClinVar:

NM_000268.4(NF2):c.1546C>T (p.Arg516Trp)

Gene: NF2 (NF2, moesin-ezrin-radixin like (MERLIN) tumor suppressor; plus strand). Cytogenetic location: 22q12.2.
Variant type: single nucleotide variant.
Coding change: c.1546C>T on transcript NM_000268.4 (MANE Select); coding-DNA position 1546, C replaced by T.
Protein change: p.Arg516Trp; replaces arginine 516 with tryptophan.
Molecular consequence: missense variant. On other transcripts: non-coding transcript variant (1), intron variant (1).
Genome position (GRCh38, 1-based): chr22:29,678,295, C>T. VCF-style: chr22-29678295-C-T. GRCh37 (hg19) VCF-style: chr22-30074284-C-T.
Other names: c.1546C>T (NM_000268.3); c.1546C>T, p.Arg516Trp (NM_016418.5, NM_181825.3, NM_181832.3); c.1420C>T, p.Arg474Trp (NM_181828.3); c.1423C>T, p.Arg475Trp (NM_181829.3); c.1297C>T, p.Arg433Trp (NM_181830.3, NM_181831.3); c.448-16457C>T (NM_181833.3); short protein forms R474W, R433W, R475W, R516W.
Identifiers: ClinVar variation 1489674 (VCV001489674.9), dbSNP rs762588182, ClinGen allele CA323119280.

ClinVar aggregate classification (germline): Uncertain significance. Review status: criteria provided, multiple submitters, no conflicts (2 of 4 stars). 2 submissions from 2 submitters: Uncertain significance (2). Last evaluated 2025-05-28.

Conditions:
Neurofibromatosis, type 2 (SWNV). Also called: BILATERAL ACOUSTIC NEUROFIBROMATOSIS; SCHWANNOMATOSIS, VESTIBULAR; NF2-Related Schwannomatosis. Identifiers: Orphanet 637, MedGen C0027832, MONDO:0007039, OMIM 101000. Disease mechanism: loss of function.
Hereditary cancer-predisposing syndrome. Also called: Tumor predisposition; Neoplastic Syndromes, Hereditary; Hereditary Cancer Syndrome; Hereditary neoplastic syndrome. Identifiers: Orphanet 140162, MedGen C0027672, MeSH D009386, MONDO:0015356.

Allele frequency attached by ClinVar (database versions not stated): gnomAD exomes below 0.00001.
gnomAD v4.1: 6 of 1,614,030 alleles (0.00037%); highest among the groups gnomAD compares: Non-Finnish European, 0.00042%; no homozygotes.

Submissions (2):

Ambry Genetics
Classification: Uncertain significance for Hereditary cancer-predisposing syndrome. Last evaluated: 2025-05-28. Review status: criteria provided, single submitter. Criteria: Ambry Variant Classification Scheme 2023. Collection method: clinical testing. Allele origin: germline.
Comment: The p.R516W variant (also known as c.1546C>T), located in coding exon 14 of the NF2 gene, results from a C to T substitution at nucleotide position 1546. The arginine at codon 516 is replaced by tryptophan, an amino acid with dissimilar properties. This amino acid position is conserved. In addition, this alteration is predicted to be deleterious by in silico analysis. Since supporting evidence is limited at this time, the clinical significance of this alteration remains unclear.

Labcorp Genetics (formerly Invitae), Labcorp
Classification: Uncertain significance for Neurofibromatosis, type 2. Last evaluated: 2023-11-07. Review status: criteria provided, single submitter. Criteria: Invitae Variant Classification Sherloc (09022015). Collection method: clinical testing. Allele origin: germline.
Comment: This sequence change replaces arginine, which is basic and polar, with tryptophan, which is neutral and slightly polar, at codon 516 of the NF2 protein (p.Arg516Trp). This variant is not present in population databases (gnomAD no frequency). This variant has not been reported in the literature in individuals affected with NF2-related conditions. ClinVar contains an entry for this variant (Variation ID: 1489674). Advanced modeling of protein sequence and biophysical properties (such as structural, functional, and spatial information, amino acid conservation, physicochemical variation, residue mobility, and thermodynamic stability) performed at Invitae indicates that this missense variant is not expected to disrupt NF2 protein function with a negative predictive value of 80%. In summary, the available evidence is currently insufficient to determine the role of this variant in disease. Therefore, it has been classified as a Variant of Uncertain Significance.